The following is an entry in ClinVar:

ClinVar aggregate classification (germline): Benign. Review status: criteria provided, multiple submitters, no conflicts (2 of 4 stars). 4 submissions from 4 submitters: Benign (3). 1 of the submissions does not count toward it. Last evaluated 2018-06-12.

Conditions:
Tuberous sclerosis syndrome (TSC). Also called: Tuberous Sclerosis Complex; Tuberous sclerosis. Identifiers: Orphanet 805, MedGen C0041341, MONDO:0001734.

Allele frequency attached by ClinVar (database versions not stated): 1000 Genomes Project 30x 0.03904; 1000 Genomes Project 0.03934; TOPMed 0.06814; ExAC 0.07124; gnomAD 0.07294 and 0.07469; gnomAD exomes 0.07374 and 0.08866; ESP Exome Variant Server 0.07387.

Submissions (4):

GeneDx
Classification: Benign. Last evaluated: 2018-06-12. Review status: criteria provided, single submitter. Criteria: GeneDx Variant Classification (06012015). Collection method: clinical testing. Allele origin: germline. Affected: yes.
Comment: This variant is considered likely benign or benign based on one or more of the following criteria: it is a conservative change, it occurs at a poorly conserved position in the protein, it is predicted to be benign by multiple in silico algorithms, and/or has population frequency not consistent with disease.

Breakthrough Genomics
Classification: Benign. Review status: criteria provided, single submitter. Criteria: ACMG Guidelines, 2015. Collection method: not provided. Allele origin: germline. Inheritance: Autosomal dominant inheritance. Affected: yes.

PreventionGenetics, part of Exact Sciences
Classification: Benign. Review status: criteria provided, single submitter. Criteria: ACMG Guidelines, 2015. Collection method: clinical testing. Allele origin: germline.

Tuberous sclerosis database (TSC2)
No classification provided. Condition: TSC. Review status: no classification provided. Criteria: Tuberous Sclerosis Database Assertion Criteria 2015. Collection method: curation. Allele origin: germline. Affected: yes. Not counted in ClinVar's aggregate classification.

NM_000548.5(TSC2):c.1600-39C>T

Gene: TSC2 (TSC complex subunit 2; plus strand). Cytogenetic location: 16p13.3.
Variant type: single nucleotide variant.
Coding change: c.1600-39C>T on transcript NM_000548.5 (MANE Select); 39 bases into the intron before coding-DNA position 1600, C replaced by T.
Molecular consequence: intron variant.
Genome position (GRCh38, 1-based): chr16:2,065,480, C>T. VCF-style: chr16-2065480-C-T. GRCh37 (hg19) VCF-style: chr16-2115481-C-T.
Other names: c.1600-39C>T (NM_001114382.3, NM_021055.3, NM_001370405.1 and 3 more transcripts); c.1489-39C>T (NM_001318827.2); c.1000-39C>T (NM_001318831.2); c.1453-39C>T (NM_001318829.2); c.1633-39C>T (NM_001318832.2).
Identifiers: ClinVar variation 49695 (VCV000049695.4), dbSNP rs45477195, ClinGen allele CA015269.